The following is an entry in ClinVar:

ClinVar aggregate classification (germline): Uncertain significance (1 of 4 stars; one submission).

Submission:

Labcorp Genetics (formerly Invitae), Labcorp
Classification: Uncertain significance. Last evaluated: 2024-07-05. Review status: criteria provided, single submitter. Criteria: Invitae Variant Classification Sherloc (09022015). Collection method: clinical testing. Allele origin: germline.
Comment: This sequence change replaces serine, which is neutral and polar, with alanine, which is neutral and non-polar, at codon 247 of the COL11A2 protein (p.Ser247Ala). This variant is not present in population databases (gnomAD no frequency). This variant has not been reported in the literature in individuals affected with COL11A2-related conditions. Advanced modeling of protein sequence and biophysical properties (such as structural, functional, and spatial information, amino acid conservation, physicochemical variation, residue mobility, and thermodynamic stability) performed at Invitae indicates that this missense variant is not expected to disrupt COL11A2 protein function with a negative predictive value of 95%. In summary, the available evidence is currently insufficient to determine the role of this variant in disease. Therefore, it has been classified as a Variant of Uncertain Significance.

NM_080680.3(COL11A2):c.739T>G (p.Ser247Ala)

Gene: COL11A2 (collagen type XI alpha 2 chain; minus strand). Cytogenetic location: 6p21.32.
Variant type: single nucleotide variant.
Coding change: c.739T>G on transcript NM_080680.3 (MANE Select); coding-DNA position 739, T replaced by G.
Protein change: p.Ser247Ala; replaces serine 247 with alanine.
Molecular consequence: missense variant. On other transcripts: 5 prime UTR variant (3), non-coding transcript variant (1).
Genome position (GRCh38, 1-based): chr6:33,186,686, A>C on the plus strand (T>G on the coding strand, the complement: COL11A2 is on the minus strand). VCF-style: chr6-33186686-A-C. GRCh37 (hg19) VCF-style: chr6-33154463-A-C.
Other names: c.739T>G, p.Ser247Ala (NM_001163771.2, NM_001424108.1, NM_080679.3 and 1 more transcripts); c.-108T>G (NM_001424109.1, NM_001424110.1, NM_001424111.1); short protein forms S247A.
Identifiers: ClinVar variation 3635263 (VCV003635263.2).
Genomic context (GRCh38, chr6:33,186,686, plus strand): 5'-CCTGGCTCTGGGGTTCCTGATTTTGTGGCCTGTGAAGTCTTGATGGTTGCTGCTGTGGAG[A>C]TCTCTGGGCTCTGTGAGGCTGTTGGTTTTGGGGTCTTTCCCTCTGGCCCCCCTCGCATTC-3'
Protein context (NP_542411.2, residues 237-257): QNQQPHRAQR[Ser247Ala]PQQQPSRLHR